The following is an entry in ClinVar:

ClinVar aggregate classification (germline): Uncertain significance (1 of 4 stars; one submission).

Allele frequency attached by ClinVar (database versions not stated): gnomAD exomes 0.00001 and 0.00002; ExAC 0.00004; gnomAD 0.00004 and 0.00005; TOPMed 0.00006; ESP Exome Variant Server 0.00016.
gnomAD v4.1: 20 of 1,614,032 alleles (0.0012%); highest among the groups gnomAD compares: African/African-American, 0.021%; no homozygotes.

Submission:

Labcorp Genetics (formerly Invitae), Labcorp
Classification: Uncertain significance. Last evaluated: 2025-03-17. Review status: criteria provided, single submitter. Criteria: Invitae Variant Classification Sherloc (09022015). Collection method: clinical testing. Allele origin: germline.
Comment: This sequence change replaces serine, which is neutral and polar, with asparagine, which is neutral and polar, at codon 439 of the PCARE protein (p.Ser439Asn). This variant is present in population databases (rs371031419, gnomAD 0.02%). This variant has not been reported in the literature in individuals affected with PCARE-related conditions. ClinVar contains an entry for this variant (Variation ID: 837115). An algorithm developed to predict the effect of missense changes on protein structure and function outputs the following: PolyPhen-2: "Benign". The asparagine amino acid residue is found in multiple mammalian species, which suggests that this missense change does not adversely affect protein function. In summary, the available evidence is currently insufficient to determine the role of this variant in disease. Therefore, it has been classified as a Variant of Uncertain Significance.

NM_001029883.3(PCARE):c.1316G>A (p.Ser439Asn)

Gene: PCARE (photoreceptor cilium actin regulator; minus strand). Cytogenetic location: 2p23.2.
Variant type: single nucleotide variant.
Coding change: c.1316G>A on transcript NM_001029883.3 (MANE Select); coding-DNA position 1316, G replaced by A.
Protein change: p.Ser439Asn; replaces serine 439 with asparagine.
Molecular consequence: missense variant.
Genome position (GRCh38, 1-based): chr2:29,072,946, C>T on the plus strand (G>A on the coding strand, the complement: PCARE is on the minus strand). VCF-style: chr2-29072946-C-T. GRCh37 (hg19) VCF-style: chr2-29295812-C-T.
Other names: short protein forms S439N.
Identifiers: ClinVar variation 837115 (VCV000837115.11), dbSNP rs371031419, ClinGen allele CA1592449.
Genomic context (GRCh38, chr2:29,072,946, plus strand): 5'-AAGGAATCACATGGGGTGCTTGTCCCCAGCTTCAAAGGTGGGGAGGTGATATTTTCTGGG[C>T]TTGTACTGGAGAGGCATGGGCTCCTTGCTTCGTCCTGTGCTCGTGGCTGAACCTTTGCCA-3'
Protein context (NP_001025054.1, residues 429-449): EARSPCLSST[Ser439Asn]PENITSPPLK